The following is an entry in ClinVar:

ClinVar aggregate classification (germline): Uncertain significance (1 of 4 stars; one submission).

Allele frequency attached by ClinVar (database versions not stated): gnomAD exomes below 0.00001.
gnomAD v4.1: 2 of 1,614,138 alleles (0.00012%); highest among the groups gnomAD compares: Admixed American, 0.0033%; no homozygotes.

Submission:

Labcorp Genetics (formerly Invitae), Labcorp
Classification: Uncertain significance. Last evaluated: 2024-10-01. Review status: criteria provided, single submitter. Criteria: Invitae Variant Classification Sherloc (09022015). Collection method: clinical testing. Allele origin: germline.
Comment: This sequence change replaces proline, which is neutral and non-polar, with leucine, which is neutral and non-polar, at codon 214 of the SULF1 protein (p.Pro214Leu). This variant is not present in population databases (gnomAD no frequency). This variant has not been reported in the literature in individuals affected with SULF1-related conditions. ClinVar contains an entry for this variant (Variation ID: 1381523). An algorithm developed to predict the effect of missense changes on protein structure and function (PolyPhen-2) suggests that this variant is likely to be disruptive. In summary, the available evidence is currently insufficient to determine the role of this variant in disease. Therefore, it has been classified as a Variant of Uncertain Significance.

NM_001128205.2(SULF1):c.641C>T (p.Pro214Leu)

Gene: SULF1 (sulfatase 1; plus strand). Cytogenetic location: 8q13.2.
Variant type: single nucleotide variant.
Coding change: c.641C>T on transcript NM_001128205.2 (MANE Select); coding-DNA position 641, C replaced by T.
Protein change: p.Pro214Leu; replaces proline 214 with leucine.
Molecular consequence: missense variant. On other transcripts: non-coding transcript variant (2).
Genome position (GRCh38, 1-based): chr8:69,589,048, C>T. VCF-style: chr8-69589048-C-T. GRCh37 (hg19) VCF-style: chr8-70501283-C-T.
Other names: c.641C>T, p.Pro214Leu (NM_001128204.2, NM_001128206.2, NM_015170.3); short protein forms P214L.
Identifiers: ClinVar variation 1381523 (VCV001381523.6), dbSNP rs2130284966, ClinGen allele CA371225611.